The following is an entry in ClinVar:

ClinVar aggregate classification (germline): Likely pathogenic (1 of 4 stars; one submission).

Conditions:
Neurofibromatosis, type 1 (NF1). Also called: NEUROFIBROMATOSIS, TYPE I, SOMATIC; Neurofibromatosis, type I; Peripheral type neurofibromatosis; VON RECKLINGHAUSEN DISEASE. Identifiers: Orphanet 636, MedGen C0027831, MONDO:0018975, OMIM 162200. Disease mechanism: loss of function.

Submission:

Labcorp Genetics (formerly Invitae), Labcorp
Classification: Likely pathogenic for Neurofibromatosis, type 1. Last evaluated: 2022-01-27. Review status: criteria provided, single submitter. Criteria: Invitae Variant Classification Sherloc (09022015). Collection method: clinical testing. Allele origin: germline.
Comment: In summary, the currently available evidence indicates that the variant is pathogenic, but additional data are needed to prove that conclusively. Therefore, this variant has been classified as Likely Pathogenic. Algorithms developed to predict the effect of sequence changes on RNA splicing suggest that this variant may disrupt the consensus splice site. This variant has not been reported in the literature in individuals affected with NF1-related conditions. This variant is not present in population databases (gnomAD no frequency). This sequence change affects an acceptor splice site in intron 48 of the NF1 gene. It is expected to disrupt RNA splicing. Variants that disrupt the donor or acceptor splice site typically lead to a loss of protein function (PMID: 16199547), and loss-of-function variants in NF1 are known to be pathogenic (PMID: 10712197, 23913538).

Literature cited by the submitters: PubMed 16199547; PubMed 10712197; PubMed 23913538.

NM_001042492.3(NF1):c.7322-2A>T

Gene: NF1 (neurofibromin 1; plus strand). Cytogenetic location: 17q11.2.
Variant type: single nucleotide variant.
Coding change: c.7322-2A>T on transcript NM_001042492.3 (MANE Select); the canonical splice acceptor site of the intron before coding-DNA position 7322, A replaced by T.
Molecular consequence: splice acceptor variant.
Genome position (GRCh38, 1-based): chr17:31,350,181, A>T. VCF-style: chr17-31350181-A-T. GRCh37 (hg19) VCF-style: chr17-29677199-A-T.
Other names: c.7259-2A>T (NM_000267.4).
Identifiers: ClinVar variation 2090387 (VCV002090387.4), dbSNP rs2151574219, ClinGen allele CA399016940.
Genomic context (GRCh38, chr17:31,350,181, plus strand): 5'-CCTGTTTTAAGTCACACTTGTGATTTGTTAAATTTTTTAACCTGCCACCGTTTTCCTTTT[A>T]GCTTTACTTACAGTGTCTGAAGAAGTTCGAAGTCGCTGCAGCCTAAAACATAGAAAGTCA-3'